The following is an entry in ClinVar:

ClinVar aggregate classification (germline): not provided (0 of 4 stars; one submission).

Conditions:
Familial long QT syndrome (RWS). Also called: Congenital long QT syndrome; Romano-Ward syndrome; VENTRICULAR FIBRILLATION WITH PROLONGED QT INTERVAL. Identifiers: Orphanet 768, MedGen C1141890, MONDO:0019171.

Submission:

Cardiovascular Biomedical Research Unit, Royal Brompton & Harefield NHS Foundation Trust
No classification provided. Condition: Familial long QT syndrome. Review status: no classification provided. Collection method: literature only. Allele origin: germline.
Comment: This variant has been reported as associated with Long QT syndrome in the following publications (PMID:19716085;PMID:19841300). This is a literature report, and does not necessarily reflect the clinical interpretation of the Imperial College / Royal Brompton Cardiovascular Genetics laboratory.

Literature cited by the submitters: PubMed 19716085; PubMed 19841300; PubMed 22581653.

NM_000218.3(KCNQ1):c.913T>C (p.Trp305Arg)

Gene: KCNQ1 (potassium voltage-gated channel subfamily Q member 1; plus strand). Cytogenetic location: 11p15.5.
Variant type: single nucleotide variant.
Coding change: c.913T>C on transcript NM_000218.3 (MANE Select); coding-DNA position 913, T replaced by C.
Protein change: p.Trp305Arg; replaces tryptophan 305 with arginine.
Molecular consequence: missense variant.
Genome position (GRCh38, 1-based): chr11:2,572,978, T>C. VCF-style: chr11-2572978-T-C. GRCh37 (hg19) VCF-style: chr11-2594208-T-C.
Other names: c.913T>C (LRG_287t1); c.913T>C, p.Trp305Arg (NM_001406836.1); c.643T>C, p.Trp215Arg (NM_001406837.1); c.532T>C, p.Trp178Arg (NM_181798.2); short protein forms W305R, W178R, W215R.
Identifiers: ClinVar variation 53123 (VCV000053123.3), dbSNP rs199472741, ClinGen allele CA008606.